The following is an entry in ClinVar:

NM_016239.4(MYO15A):c.743G>C (p.Arg248Pro)

Gene: MYO15A (myosin XVA; plus strand). Cytogenetic location: 17p11.2.
Variant type: single nucleotide variant.
Coding change: c.743G>C on transcript NM_016239.4 (MANE Select); coding-DNA position 743, G replaced by C.
Protein change: p.Arg248Pro; replaces arginine 248 with proline.
Molecular consequence: missense variant.
Genome position (GRCh38, 1-based): chr17:18,119,543, G>C. VCF-style: chr17-18119543-G-C. GRCh37 (hg19) VCF-style: chr17-18022857-G-C.
Other names: short protein forms R248P.
Identifiers: ClinVar variation 1714786 (VCV001714786.5), dbSNP rs562862820, ClinGen allele CA398575614.
Genomic context (GRCh38, chr17:18,119,543, plus strand): 5'-GCTTCCAGGACCTGGGCGAGTATTATGACTATCACCGCGACGGCGACGACTACTACGACC[G>C]GCAGTCACTCCACCGCTACGAGGAGCAGGAACCCTACCTGGCGGGCCTCGGCCCCTACAG-3'
Protein context (NP_057323.3, residues 238-258): YHRDGDDYYD[Arg248Pro]QSLHRYEEQE

ClinVar aggregate classification (germline): Uncertain significance (1 of 4 stars; one submission).

Allele frequency attached by ClinVar (database versions not stated): gnomAD 0.00001.
gnomAD v4.1: 3 of 1,608,636 alleles (0.00019%); highest among the groups gnomAD compares: East Asian, 0.0022%; no homozygotes.

Submission:

Labcorp Genetics (formerly Invitae), Labcorp
Classification: Uncertain significance. Last evaluated: 2022-08-02. Review status: criteria provided, single submitter. Criteria: Invitae Variant Classification Sherloc (09022015). Collection method: clinical testing. Allele origin: germline.
Comment: In summary, the available evidence is currently insufficient to determine the role of this variant in disease. Therefore, it has been classified as a Variant of Uncertain Significance. Advanced modeling of protein sequence and biophysical properties (such as structural, functional, and spatial information, amino acid conservation, physicochemical variation, residue mobility, and thermodynamic stability) performed at Invitae indicates that this missense variant is not expected to disrupt MYO15A protein function. This variant has not been reported in the literature in individuals affected with MYO15A-related conditions. This variant is present in population databases (no rsID available, gnomAD 0.006%). This sequence change replaces arginine, which is basic and polar, with proline, which is neutral and non-polar, at codon 248 of the MYO15A protein (p.Arg248Pro).